The following is an entry in ClinVar:

NM_001206999.2(CIT):c.426dup (p.Glu143Ter)

Gene: CIT (citron rho-interacting serine/threonine kinase; minus strand). Cytogenetic location: 12q24.23.
Variant type: Duplication.
Coding change: c.426dup on transcript NM_001206999.2 (MANE Select); coding-DNA position 426, one base duplicated (T; older notation c.426dupT).
Protein change: p.Glu143Ter; replaces glutamic acid 143 with a stop codon.
Molecular consequence: nonsense.
Genome position (GRCh38, 1-based): chr12:119,850,264, A duplicated on the plus strand (T on the coding strand, the reverse complement: CIT is on the minus strand); the first of 6 consecutive A bases (chr12:119,850,264-119,850,269); duplicating any one gives the same sequence. VCF-style (leftmost placement, unchanged base first): chr12-119850263-C-CA. GRCh37 (hg19) VCF-style: chr12-120288067-C-CA.
Other names: c.426dup, p.Glu143Ter (NM_007174.3); short protein forms E143*.
Identifiers: ClinVar variation 4697884 (VCV004697884.1).

ClinVar aggregate classification (germline): Pathogenic (1 of 4 stars; one submission).

Submission:

Labcorp Genetics (formerly Invitae), Labcorp
Classification: Pathogenic. Last evaluated: 2026-01-05. Review status: criteria provided, single submitter. Criteria: Invitae Variant Classification Sherloc (09022015). Collection method: clinical testing. Allele origin: germline.
Comment: This sequence change creates a premature translational stop signal (p.Glu143*) in the CIT gene. It is expected to result in an absent or disrupted protein product. Loss-of-function variants in CIT are known to be pathogenic (PMID: 27453579). This variant is present in population databases (rs763954129, gnomAD 0.002%). This variant has not been reported in the literature in individuals affected with CIT-related conditions. For these reasons, this variant has been classified as Pathogenic.

Literature cited by the submitters: PubMed 27453579.